The following is an entry in ClinVar:

ClinVar aggregate classification (germline): Benign/Likely benign. Review status: criteria provided, multiple submitters, no conflicts (2 of 4 stars). 4 submissions from 4 submitters: Benign (3); Likely benign (1). Last evaluated 2026-02-10.

Conditions:
TBX19-related disorder. Also called: TBX19-related condition.

Allele frequency attached by ClinVar (database versions not stated): ESP Exome Variant Server 0.00392; TOPMed 0.00411; 1000 Genomes Project 30x 0.00422; gnomAD 0.00383.
gnomAD v4.1: 1,032 of 1,614,124 alleles (0.064%); highest among the groups gnomAD compares: African/African-American, 1.2%; 10 homozygotes.

Submissions (5):

PreventionGenetics, part of Exact Sciences
Classification: Benign for TBX19-related condition. Last evaluated: 2026-02-10. Review status: criteria provided, single submitter. Criteria: ACMG Guidelines, 2015. Collection method: clinical testing. Allele origin: germline.
Comment: This variant is classified as benign based on ACMG/AMP sequence variant interpretation guidelines (Richards et al. 2015 PMID: 25741868, with internal and published modifications).

Labcorp Genetics (formerly Invitae), Labcorp
Classification: Benign. Last evaluated: 2026-01-12. Review status: criteria provided, single submitter. Criteria: Invitae Variant Classification Sherloc (09022015). Collection method: clinical testing. Allele origin: germline.

Blueprint Genetics
Classification: Likely benign. Last evaluated: 2024-10-03. Review status: criteria provided, single submitter. Criteria: ACMG Guidelines, 2015. Collection method: clinical testing. Allele origin: germline.

Breakthrough Genomics
Classification: Benign. Review status: criteria provided, single submitter. Criteria: ACMG Guidelines, 2015. Collection method: not provided. Allele origin: germline. Inheritance: Autosomal recessive inheritance. Affected: yes.

Dr. Peter K. Rogan Lab, Western University
No classification provided (evidence only). Condition: Familial cancer of breast. Review status: no classification provided. Collection method: in vitro. Allele origin: not applicable. Functional consequence: retained intron. Not counted in ClinVar's aggregate classification.

NM_005149.3(TBX19):c.462C>T (p.Gly154=)

Gene: TBX19 (T-box transcription factor 19; plus strand). Cytogenetic location: 1q24.2.
Variant type: single nucleotide variant.
Coding change: c.462C>T on transcript NM_005149.3 (MANE Select); coding-DNA position 462, C replaced by T.
Protein change: p.Gly154=; no amino-acid change (glycine 154 retained).
Molecular consequence: synonymous variant.
Genome position (GRCh38, 1-based): chr1:168,291,418, C>T. VCF-style: chr1-168291418-C-T. GRCh37 (hg19) VCF-style: chr1-168260656-C-T.
Identifiers: ClinVar variation 710912 (VCV000710912.12), dbSNP rs34342577, ClinGen allele CA1230479.
Genomic context (GRCh38, chr1:168,291,418, plus strand): 5'-CTGGATGAAAGCTCCCATCTCCTTCAGCAAAGTGAAGCTGACCAACAAGCTCAATGGAGG[C>T]GGGCAGGTACGAATGAGGCGGGCAGGCCTGGCCACCCGCTCCGGCCTCCCCACAACACCA-3'
Protein context (NP_005140.1, residues 144-164): KVKLTNKLNG[Gly154=]GQIMLNSLHK